The following is an entry in ClinVar:

ClinVar aggregate classification (germline): Pathogenic. Review status: reviewed by expert panel (3 of 4 stars). 3 submissions from 3 submitters: Pathogenic (1). 2 of the submissions do not count toward it. Last evaluated 2016-10-18.

Conditions:
Breast-ovarian cancer, familial, susceptibility to, 2 (BROVCA2). Also called: BRCA2 Hereditary Breast and Ovarian Cancer. Identifiers: Orphanet 145, MedGen C2675520, MONDO:0012933, OMIM 612555. Disease mechanism: loss of function.

Submissions (3):

Evidence-based Network for the Interpretation of Germline Mutant Alleles (ENIGMA)
Classification: Pathogenic for Breast-ovarian cancer, familial, susceptibility to, 2. Last evaluated: 2016-10-18. Review status: reviewed by expert panel. Criteria: ENIGMA BRCA1/2 Classification Criteria (2015). Collection method: curation. Allele origin: germline.
Comment: Variant allele predicted to encode a truncated non-functional protein.

Laboratory of Genetics, Children's Clinical University Hospital Latvia
Classification: Pathogenic. Last evaluated: 2025-02-16. Review status: criteria provided, single submitter. Criteria: ACMG Guidelines, 2015. Collection method: clinical testing. Allele origin: germline. Affected: yes. Not counted in ClinVar's aggregate classification.

Consortium of Investigators of Modifiers of BRCA1/2 (CIMBA), c/o University of Cambridge
Classification: Pathogenic for Breast-ovarian cancer, familial, susceptibility to, 2. Last evaluated: 2015-10-02. Review status: criteria provided, single submitter. Criteria: CIMBA Mutation Classification guidelines May 2016. Collection method: clinical testing. Allele origin: germline. Not counted in ClinVar's aggregate classification.

NM_000059.4(BRCA2):c.2753del (p.Asn918fs)

Gene: BRCA2 (BRCA2 DNA repair associated; plus strand). Cytogenetic location: 13q13.1.
Variant type: Deletion.
Coding change: c.2753del on transcript NM_000059.4 (MANE Select); coding-DNA position 2753, one base deleted (A; older notation c.2753delA).
Protein change: p.Asn918fs; shifts the reading frame from asparagine 918.
Molecular consequence: frameshift variant.
Genome position (GRCh38, 1-based): chr13:32,337,108, A deleted; the last of 3 consecutive A bases (chr13:32,337,106-32,337,108); deleting any one gives the same sequence. VCF-style (leftmost placement, unchanged base first): chr13-32337105-TA-T. GRCh37 (hg19) VCF-style: chr13-32911242-TA-T.
Other names: 2981delA; short protein forms N918fs.
Identifiers: ClinVar variation 266718 (VCV000266718.6), dbSNP rs886040444, ClinGen allele CA10589170.